The following is an entry in ClinVar:

ClinVar aggregate classification (germline): Likely benign (1 of 4 stars; one submission).

Allele frequency attached by ClinVar (database versions not stated): gnomAD 0.00332; 1000 Genomes Project 0.00359; 1000 Genomes Project 30x 0.00375; TOPMed 0.00384.

Submission:

GeneDx
Classification: Likely benign. Last evaluated: 2020-10-16. Review status: criteria provided, single submitter. Criteria: GeneDx Variant Classification Process June 2021. Collection method: clinical testing. Allele origin: germline. Affected: yes.
Comment: See Variant Classification Assertion Criteria.

NM_002472.3(MYH8):c.4179-194C>T

Genes: MYH8 (myosin heavy chain 8; minus strand), MYHAS (myosin heavy chain gene cluster antisense RNA; plus strand). Cytogenetic location: 17p13.1.
Variant type: single nucleotide variant.
Coding change: c.4179-194C>T on transcript NM_002472.3 (MANE Select); 194 bases into the intron before coding-DNA position 4179, C replaced by T.
Molecular consequence: intron variant.
Genome position (GRCh38, 1-based): chr17:10,397,180, G>A on the plus strand (C>T on the coding strand, the complement: MYH8 is on the minus strand). VCF-style: chr17-10397180-G-A. GRCh37 (hg19) VCF-style: chr17-10300497-G-A.
Identifiers: ClinVar variation 1706770 (VCV001706770.2), dbSNP rs149267669, ClinGen allele CA287722169.